The following is an entry in ClinVar:

ClinVar aggregate classification (germline): Uncertain significance (1 of 4 stars; one submission).

Conditions:
Congenital myasthenic syndrome 8. Also called: Myasthenic syndrome, congenital, 8, with pre- and postsynaptic defects; MYASTHENIC SYNDROME, CONGENITAL, DUE TO AGRIN DEFICIENCY. Identifiers: Orphanet 590, MedGen C3808739, MONDO:0014052, OMIM 615120.

Allele frequency attached by ClinVar (database versions not stated): TOPMed below 0.00001; gnomAD 0.00001.
gnomAD v4.1: 3 of 1,612,812 alleles (0.00019%); highest among the groups gnomAD compares: Non-Finnish European, 0.00025%; no homozygotes.

Submission:

Labcorp Genetics (formerly Invitae), Labcorp
Classification: Uncertain significance for Congenital myasthenic syndrome 8. Last evaluated: 2021-11-08. Review status: criteria provided, single submitter. Criteria: Invitae Variant Classification Sherloc (09022015). Collection method: clinical testing. Allele origin: germline.
Comment: This sequence change replaces alanine, which is neutral and non-polar, with serine, which is neutral and polar, at codon 873 of the AGRN protein (p.Ala873Ser). This variant is not present in population databases (gnomAD no frequency). This variant has not been reported in the literature in individuals affected with AGRN-related conditions. Algorithms developed to predict the effect of missense changes on protein structure and function are either unavailable or do not agree on the potential impact of this missense change (SIFT: "Tolerated"; PolyPhen-2: "Possibly Damaging"; Align-GVGD: "Class C0"). In summary, the available evidence is currently insufficient to determine the role of this variant in disease. Therefore, it has been classified as a Variant of Uncertain Significance.

NM_198576.4(AGRN):c.2617G>T (p.Ala873Ser)

Gene: AGRN (agrin; plus strand). Cytogenetic location: 1p36.33.
Variant type: single nucleotide variant.
Coding change: c.2617G>T on transcript NM_198576.4 (MANE Select); coding-DNA position 2617, G replaced by T.
Protein change: p.Ala873Ser; replaces alanine 873 with serine.
Molecular consequence: missense variant.
Genome position (GRCh38, 1-based): chr1:1,045,813, G>T. VCF-style: chr1-1045813-G-T. GRCh37 (hg19) VCF-style: chr1-981193-G-T.
Other names: c.2617G>T, p.Ala873Ser (NM_001305275.2); c.2302G>T, p.Ala768Ser (NM_001364727.2); short protein forms A768S, A873S.
Identifiers: ClinVar variation 1510651 (VCV001510651.6), dbSNP rs1645074389, ClinGen allele CA337841565.
Genomic context (GRCh38, chr1:1,045,813, plus strand): 5'-GGCGCCGTGCGGGATGACTGTGAGCAGATGACGGGGCTGTGCTCGTGTAAGCCCGGGGTG[G>T]CTGGACCCAAGTGTGGGCAGTGTCCAGACGGCCGTGCCCTGGGCCCCGCGGGCTGTGAAG-3'
Protein context (NP_940978.2, residues 863-883): TGLCSCKPGV[Ala873Ser]GPKCGQCPDG